The following is an entry in ClinVar:

NM_007294.4(BRCA1):c.5541C>G (p.Cys1847Trp)

Gene: BRCA1 (BRCA1 DNA repair associated; minus strand). Cytogenetic location: 17q21.31.
Variant type: single nucleotide variant.
Coding change: c.5541C>G on transcript NM_007294.4 (MANE Select); coding-DNA position 5541, C replaced by G.
Protein change: p.Cys1847Trp; replaces cysteine 1847 with tryptophan.
Molecular consequence: missense variant. On other transcripts: 3 prime UTR variant (1), non-coding transcript variant (1).
Genome position (GRCh38, 1-based): chr17:43,045,729, G>C on the plus strand (C>G on the coding strand, the complement: BRCA1 is on the minus strand). VCF-style: chr17-43045729-G-C. GRCh37 (hg19) VCF-style: chr17-41197746-G-C.
Other names: c.5328C>G, p.Cys1776Trp (NM_001407571.1, NM_001407894.1, NM_001407895.1 and 12 more transcripts); c.5607C>G, p.Cys1869Trp (NM_001407581.1, NM_001407582.1); c.5604C>G, p.Cys1868Trp (NM_001407583.1, NM_001407585.1, NM_001407587.1 and 1 more transcripts); c.5601C>G, p.Cys1867Trp (NM_001407590.1, NM_001407591.1); c.5541C>G, p.Cys1847Trp (NM_001407593.1, NM_001407594.1, NM_001407596.1 and 5 more transcripts); c.5538C>G, p.Cys1846Trp (NM_001407610.1, NM_001407611.1, NM_001407612.1 and 14 more transcripts); c.5535C>G, p.Cys1845Trp (NM_001407628.1, NM_001407629.1, NM_001407630.1 and 13 more transcripts); c.5484C>G, p.Cys1828Trp (NM_001407648.1); and 74 more; short protein forms C1847W, C1800W, C1868W, C743W, C1550W, C1551W, C1693W, C1719W.
Identifiers: ClinVar variation 868637 (VCV000868637.9), dbSNP rs397509295, ClinGen allele CA055273.

ClinVar aggregate classification (germline): Conflicting classifications of pathogenicity. Review status: criteria provided, conflicting classifications (1 of 4 stars). 2 submissions from 2 submitters: Uncertain significance (1); Benign (1). Last evaluated 2024-04-12.

Conditions:
Hereditary breast ovarian cancer syndrome. Also called: Hereditary breast and ovarian cancer; Hereditary breast and ovarian cancer syndrome (HBOC); Breast and ovarian cancer; Hereditary breast and/or ovarian cancer syndrome; BRCA1- and BRCA2-Associated Hereditary Breast and Ovarian Cancer; Hereditary breast and ovarian cancer syndrome. Identifiers: Orphanet 145, MedGen C0677776, MeSH D061325, MONDO:0003582. Disease mechanism: loss of function.
Breast-ovarian cancer, familial, susceptibility to, 1 (BROVCA1). Also called: BRCA1 Hereditary Breast and Ovarian Cancer; OVARIAN CANCER, SUSCEPTIBILITY TO. Identifiers: Orphanet 145, MedGen C2676676, MONDO:0011450, OMIM 604370. Disease mechanism: loss of function.

Allele frequency attached by ClinVar (database versions not stated): gnomAD exomes below 0.00001; ExAC 0.00001.

Submissions (3):

Lupski Lab, Baylor-Hopkins CMG, Baylor College of Medicine
Classification: Benign for Breast-ovarian cancer, familial, susceptibility to, 1. Last evaluated: 2024-04-12. Review status: criteria provided, single submitter. Criteria: Dawood et al. (medRxiv. 2024). Collection method: curation. Allele origin: germline.
Comment: Each variant was annotated with functional scores from MAVE data which was translated into functional evidence codes. All other evidence codes and combining criteria were adhered to as closely as possible based on the ClinGen VCEP (Variant Curation Expert Panel) gene-specific recommendations. See Supplemental Figure 34 of final paper (Supp Fig. 28 in preprint: doi:10.1101/2024.04.11.24305690) for a table to see which lines of evidence we did not have data for. The ClinGen VCEPs are highly regarded as the gold-standard for gene-specific variant curation and are developed after extensive evaluation of the evidence by clinical and scientific experts for the particular gene to classify genomic variants on a spectrum from pathogenic to benign using the 2015 ACMG/AMP Variant Interpretation Guidelines as a backbone (PMID: 25741868). Reclassification of these VUS variants from gnomAD or All of Us focused only on variants originally prescribed as VUS in ClinVar. To ensure reproducibility, transparency, and increased throughput, all the procedures for annotating variants and assigning evidence codes were codified using Python. All code has been made freely available and is linked in the Code Availability section and all reclassified variants with evidence codes used can be found in Tables S18-19 (preprint: doi:10.1101/2024.04.11.24305690). For the MAVE data, the clinical curation and clinical strength assignment as per the ClinGen recommendations in Brnich et al. (2020) (PMID: 31892348) for or against pathogenicity or benignity of each of these MAVE datasets utilized in this study were previously published in Fayer et al. (2021) (PMID: 34793697).In brief, for BRCA1 variants, if a variant was categorized as FUNC (functional), it was assigned BS3 evidence and no PS3 evidence, whereas if it was categorized as LOF (loss of function), the variant was assigned PS3 evidence and no BS3 evidence. Variants categorized as INT (intermediate) were left unannotated. For the BRCA1 combining criteria, greater than or equal to 1 criteria of strong benign evidence was enough to reclassify the VUS as Likely Benign. This variant GRCh37:17:41197746:G>C was assigned evidence codes ['BS3', 'BP1_Strong'] and an overall classification of Benign

Labcorp Genetics (formerly Invitae), Labcorp
Classification: Uncertain significance for Hereditary breast ovarian cancer syndrome. Last evaluated: 2022-09-10. Review status: criteria provided, single submitter. Criteria: Invitae Variant Classification Sherloc (09022015). Collection method: clinical testing. Allele origin: germline.
Comment: In summary, the available evidence is currently insufficient to determine the role of this variant in disease. Therefore, it has been classified as a Variant of Uncertain Significance. Experimental studies have shown that this missense change does not substantially affect BRCA1 function (PMID: 30209399). Advanced modeling of experimental studies (such as gene expression, population dynamics, functional pathways, and cell-cycle effects in cell culture) performed at Invitae indicates that this missense variant is not expected to disrupt BRCA1 protein function. ClinVar contains an entry for this variant (Variation ID: 868637). This variant has not been reported in the literature in individuals affected with BRCA1-related conditions. This variant is present in population databases (rs397509295, gnomAD 0.003%). This sequence change replaces cysteine, which is neutral and slightly polar, with tryptophan, which is neutral and slightly polar, at codon 1847 of the BRCA1 protein (p.Cys1847Trp).

Brotman Baty Institute, University of Washington
No classification provided (evidence only). Condition: Breast-ovarian cancer, familial 1. Review status: no classification provided. Collection method: in vitro. Allele origin: not applicable. Functional consequence: functionally_normal. Not counted in ClinVar's aggregate classification.
ClinVar note: "not provided" was previously submitted as the classification for the variant. However, the classification appeared to be based only on an observation of functional data so it was converted to no classification on 2025-07-30.

Literature cited by the submitters: PubMed 39142283 (cited by Lupski Lab, Baylor-Hopkins CMG, Baylor College of Medicine); PubMed 34793697 (cited by Lupski Lab, Baylor-Hopkins CMG, Baylor College of Medicine); DOI 10.1101/2024.04.11.24305690 (cited by Lupski Lab, Baylor-Hopkins CMG, Baylor College of Medicine); PubMed 30209399 (cited by Labcorp Genetics (formerly Invitae), Labcorp).